The following is an entry in ClinVar:

ClinVar aggregate classification (germline): Conflicting classifications of pathogenicity. Review status: criteria provided, conflicting classifications (1 of 4 stars). 7 submissions from 7 submitters: Uncertain significance (6); Likely benign (1). Last evaluated 2025-11-17.

Conditions:
Linear nevus sebaceous syndrome. Also called: SFM SYNDROME; SCHIMMELPENNING-FEUERSTEIN-MIMS SYNDROME, SOMATIC MOSAIC; JADASSOHN NEVUS PHAKOMATOSIS; Nevus, Sebaceous of Jadassohn; Sebaceous nevus syndrome and hemimegalencephaly; NEVUS SEBACEUS OF JADASSOHN. Identifiers: Orphanet 2612, MedGen C4552097, MONDO:0008097, OMIM 163200, HP:0010817.
Large congenital melanocytic nevus (CMNS). Also called: MELANOCYTIC NEVUS SYNDROME, CONGENITAL, SOMATIC; Giant congenital nevus; Congenital giant melanocytic nevus; Giant hairy nevus; Bathing trunk nevus; Congenital giant pigmented nevus. Identifiers: Orphanet 626, MedGen C1842036, MONDO:0044792, OMIM 137550, HP:0005600.
Costello syndrome (CSTLO). Also called: FACIOCUTANEOSKELETAL SYNDROME; FCS SYNDROME; HRAS-Related Costello Syndrome. Identifiers: Orphanet 3071, MedGen C0587248, MONDO:0009026, OMIM 218040.
Malignant tumor of urinary bladder. Also called: Urinary Bladder Neoplasms; Bladder cancer; Urinary bladder cancer. Identifiers: MedGen C0005684, MONDO:0001187, OMIM 109800.
Thyroid cancer, nonmedullary, 2 (NMTC2). Also called: THYROID CARCINOMA, FOLLICULAR; Thyroid carcinoma, follicular, somatic; THYROID CANCER, NONMEDULLARY, 2, SUSCEPTIBILITY TO. Identifiers: MedGen C4225426, MONDO:0008566, OMIM 188470.
Epidermal nevus. Also called: Nevus, epidermal, somatic; NEVUS, KERATINOCYTIC, NONEPIDERMOLYTIC. Identifiers: Orphanet 79414, MedGen C0334082, MONDO:0008093, OMIM 162900, HP:0010816.
HRAS-related disorder. Also called: HRAS-related condition.
Hereditary cancer-predisposing syndrome. Also called: Neoplastic Syndromes, Hereditary; Tumor predisposition; Hereditary neoplastic syndrome; Hereditary Cancer Syndrome. Identifiers: Orphanet 140162, MedGen C0027672, MeSH D009386, MONDO:0015356.

Allele frequency attached by ClinVar (database versions not stated): ExAC 0.00003; gnomAD exomes 0.00003; TOPMed 0.00005; gnomAD 0.00007; ESP Exome Variant Server 0.00015.
gnomAD v4.1: 67 of 1,613,070 alleles (0.0042%); highest among the groups gnomAD compares: African/African-American, 0.013%; no homozygotes.

Submissions (7):

Labcorp Genetics (formerly Invitae), Labcorp
Classification: Uncertain significance for Costello syndrome. Last evaluated: 2025-11-17. Review status: criteria provided, single submitter. Criteria: Invitae Variant Classification Sherloc (09022015). Collection method: clinical testing. Allele origin: germline.
Comment: This sequence change replaces arginine, which is basic and polar, with glutamine, which is neutral and polar, at codon 169 of the HRAS protein (p.Arg169Gln). This variant is present in population databases (rs142218590, gnomAD 0.01%). This missense change has been observed in individual(s) with an unspecified cancer (PMID: 25742471). ClinVar contains an entry for this variant (Variation ID: 180856). Invitae Evidence Modeling incorporating data from in vitro experimental studies (internal data) indicates that this missense variant is not expected to disrupt HRAS function with a negative predictive value of 95%. In summary, the available evidence is currently insufficient to determine the role of this variant in disease. Therefore, it has been classified as a Variant of Uncertain Significance.

PreventionGenetics, part of Exact Sciences
Classification: Uncertain significance for HRAS-related condition. Last evaluated: 2025-10-06. Review status: criteria provided, single submitter. Criteria: ACMG Guidelines, 2015. Collection method: clinical testing. Allele origin: germline.
Comment: The HRAS c.506G>A variant is predicted to result in the amino acid substitution p.Arg169Gln. To our knowledge, this variant has not been reported in the literature. This variant is reported in 0.016% of alleles in individuals of African descent in gnomAD. Although we suspect that this variant may be benign, at this time, the clinical significance of this variant is uncertain due to the absence of conclusive functional and genetic evidence.

Blueprint Genetics
Classification: Likely benign. Last evaluated: 2024-11-14. Review status: criteria provided, single submitter. Criteria: ACMG Guidelines, 2015. Collection method: clinical testing. Allele origin: germline.

Fulgent Genetics
Classification: Uncertain significance for Malignant tumor of urinary bladder; Large congenital melanocytic nevus; Epidermal nevus; Linear nevus sebaceous syndrome; Thyroid cancer, nonmedullary, 2; Costello syndrome. Last evaluated: 2024-05-09. Review status: criteria provided, single submitter. Criteria: ACMG Guidelines, 2015. Collection method: clinical testing. Allele origin: germline.

Sema4
Classification: Uncertain significance for Hereditary cancer-predisposing syndrome. Last evaluated: 2022-01-10. Review status: criteria provided, single submitter. Criteria: Sema4 Curation Guidelines. Collection method: curation. Allele origin: germline.
Comment: To the best of our knowledge, the HRAS c.506G>A (p.R169Q) variant has not been reported in individuals with HRAS-related disease. It was observed in 8/280666 chromosomes among all subpopulations in the Genome Aggregation Database (PMID: 32461654). This variant has been reported in ClinVar (Variation ID 180856). Functional studies have not been performed, and in silico predictions of the variant's effect on protein function are inconclusive. The evidence is insufficient to meet ACMG/AMP criteria for classifying the variant as benign or pathogenic. Thus, the clinical significance of this variant is currently uncertain.

Baylor Genetics
Classification: Uncertain significance for Costello syndrome. Last evaluated: 2019-07-31. Review status: criteria provided, single submitter. Criteria: ACMG Guidelines, 2015. Collection method: clinical testing. Allele origin: maternal. Affected: yes. Study: CSER-TexasKidsCanSeq.
Comment: This variant was determined to be of uncertain significance according to ACMG Guidelines, 2015 [PMID:25741868].

GeneDx
Classification: Uncertain significance. Last evaluated: 2017-06-05. Review status: criteria provided, single submitter. Criteria: GeneDx Variant Classification (06012015). Collection method: clinical testing. Allele origin: germline. Affected: yes.
Comment: The R169Q variant has not been published in association with the Noonan syndrome spectrum to our knowledge; the variant has been observed as a germline variant in an individual with lung cancer but no reported other phenotype (Marks et al., 2007). The variant is observed in 1/10172 (0.01%) alleles from individuals of African background in the ExAC dataset (Lek et al., 2016). R169Q is a semi-conservative amino acid substitution, which may impact secondary protein structure as these residues differ in some properties. This substitution occurs at a position that is conserved across species; however, in silico analysis is inconsistent in its predictions as to whether or not the variant is damaging to the protein structure/function. In summary, based on the currently available information, it is unclear whether this variant is a pathogenic variant or a rare benign variant.

Literature cited by the submitters: PubMed 25742471 (cited by Labcorp Genetics (formerly Invitae), Labcorp).

NM_005343.4(HRAS):c.506G>A (p.Arg169Gln)

Genes: HRAS (HRas proto-oncogene, GTPase; minus strand), LRRC56 (leucine rich repeat containing 56; plus strand). Cytogenetic location: 11p15.5.
Variant type: single nucleotide variant.
Coding change: c.506G>A on transcript NM_005343.4 (MANE Select); coding-DNA position 506, G replaced by A.
Protein change: p.Arg169Gln; replaces arginine 169 with glutamine.
Molecular consequence: missense variant. On other transcripts: 3 prime UTR variant (1).
Genome position (GRCh38, 1-based): chr11:532,700, C>T on the plus strand (G>A on the coding strand, the complement: HRAS is on the minus strand). VCF-style: chr11-532700-C-T. GRCh37 (hg19) VCF-style: chr11-532700-C-T.
Other names: c.506G>A, p.Arg169Gln (NM_001130442.3); c.269G>A, p.Arg90Gln (NM_001318054.2); c.*75G>A (NM_176795.5); short protein forms R169Q, R90Q.
Identifiers: ClinVar variation 180856 (VCV000180856.18), dbSNP rs142218590, ClinGen allele CA296075.